The following is an entry in ClinVar:

NM_014806.5(RUSC2):c.747C>G (p.His249Gln)

Gene: RUSC2 (RUN and SH3 domain containing 2; plus strand). Cytogenetic location: 9p13.3.
Variant type: single nucleotide variant.
Coding change: c.747C>G on transcript NM_014806.5 (MANE Select); coding-DNA position 747, C replaced by G.
Protein change: p.His249Gln; replaces histidine 249 with glutamine.
Molecular consequence: missense variant. On other transcripts: non-coding transcript variant (1), intron variant (1).
Genome position (GRCh38, 1-based): chr9:35,547,268, C>G. VCF-style: chr9-35547268-C-G. GRCh37 (hg19) VCF-style: chr9-35547265-C-G.
Other names: c.747C>G, p.His249Gln (NM_001135999.2); c.-620-7792C>G (NM_001330740.2); short protein forms H249Q.
Identifiers: ClinVar variation 1498463 (VCV001498463.8), dbSNP rs767269632, ClinGen allele CA5043523.

ClinVar aggregate classification (germline): Uncertain significance (1 of 4 stars; one submission).

Allele frequency attached by ClinVar (database versions not stated): gnomAD exomes below 0.00001; ExAC 0.00001.
gnomAD v4.1: 1 of 1,614,204 alleles (0.000062%); highest among the groups gnomAD compares: Non-Finnish European, 0.000085%; no homozygotes.

Submission:

Labcorp Genetics (formerly Invitae), Labcorp
Classification: Uncertain significance. Last evaluated: 2020-12-14. Review status: criteria provided, single submitter. Criteria: Invitae Variant Classification Sherloc (09022015). Collection method: clinical testing. Allele origin: germline.
Comment: This variant has not been reported in the literature in individuals with RUSC2-related conditions. This sequence change replaces histidine with glutamine at codon 249 of the RUSC2 protein (p.His249Gln). The histidine residue is highly conserved and there is a small physicochemical difference between histidine and glutamine. This variant is present in population databases (rs767269632, ExAC 0.002%). Algorithms developed to predict the effect of missense changes on protein structure and function are either unavailable or do not agree on the potential impact of this missense change (SIFT: "Deleterious"; PolyPhen-2: "Probably Damaging"; Align-GVGD: "Class C0"). In summary, the available evidence is currently insufficient to determine the role of this variant in disease. Therefore, it has been classified as a Variant of Uncertain Significance.